The following is an entry in ClinVar:

ClinVar aggregate classification (germline): Uncertain significance (1 of 4 stars; one submission).

Conditions:
Inborn genetic diseases. Identifiers: MedGen C0950123, MeSH D030342.

Submission:

Ambry Genetics
Classification: Uncertain significance for Inborn genetic diseases. Last evaluated: 2026-03-10. Review status: criteria provided, single submitter. Criteria: Ambry Variant Classification Scheme 2023. Collection method: clinical testing. Allele origin: germline.
Comment: The p.L437I variant (also known as c.1309T>A), located in coding exon 11 of the CEP57 gene, results from a T to A substitution at nucleotide position 1309. The leucine at codon 437 is replaced by isoleucine, an amino acid with highly similar properties. This amino acid position is conserved. In addition, this alteration is predicted to be tolerated by in silico analysis. Based on the available evidence, the clinical significance of this variant remains unclear.

NM_014679.5(CEP57):c.1309T>A (p.Leu437Ile)

Gene: CEP57 (centrosomal protein 57; plus strand). Cytogenetic location: 11q21.
Variant type: single nucleotide variant.
Coding change: c.1309T>A on transcript NM_014679.5 (MANE Select); coding-DNA position 1309, T replaced by A.
Protein change: p.Leu437Ile; replaces leucine 437 with isoleucine.
Molecular consequence: missense variant.
Genome position (GRCh38, 1-based): chr11:95,831,062, T>A. VCF-style: chr11-95831062-T-A. GRCh37 (hg19) VCF-style: chr11-95564226-T-A.
Other names: c.1201T>A, p.Leu401Ile (NM_001440871.1); c.1192T>A, p.Leu398Ile (NM_001440872.1); c.1129T>A, p.Leu377Ile (NM_001440873.1); c.1123T>A, p.Leu375Ile (NM_001440874.1); c.1120T>A, p.Leu374Ile (NM_001440875.1); c.1114T>A, p.Leu372Ile (NM_001440876.1); c.1111T>A, p.Leu371Ile (NM_001440877.1, NM_001440878.1); c.1084T>A, p.Leu362Ile (NM_001440879.1); and 6 more; short protein forms L336I, L350I, L362I, L375I, L398I, L410I, L437I, L371I.
Identifiers: ClinVar variation 4826392 (VCV004826392.1).